The following is an entry in ClinVar:

NM_153006.3(NAGS):c.1113dup (p.Lys372fs)

Gene: NAGS (N-acetylglutamate synthase; plus strand). Cytogenetic location: 17q21.31.
Variant type: Duplication.
Coding change: c.1113dup on transcript NM_153006.3 (MANE Select); coding-DNA position 1113, one base duplicated (C; older notation c.1113dupC).
Protein change: p.Lys372fs; shifts the reading frame from lysine 372.
Molecular consequence: frameshift variant.
Genome position (GRCh38, 1-based): chr17:44,007,339, C duplicated. VCF-style (leftmost placement, unchanged base first): chr17-44007338-T-TC. GRCh37 (hg19) VCF-style: chr17-42084706-T-TC.
Other names: short protein forms K372fs.
Identifiers: ClinVar variation 1512861 (VCV001512861.8), dbSNP rs2143989730, ClinGen allele CA2573154100.
Genomic context (GRCh38, chr17:44,007,338, plus strand): 5'-CAAACGGCCCTCCAGCCAGACTAGCCCCTCCCCATCCTCCTCCAGGGTCCGGGACCCTGT[T>TC]CAAGAACGCCGAGCGAATGCTACGGGTGCGCAGCCTGGACAAGCTGGACCAGGGCCGTCT-3'

ClinVar aggregate classification (germline): Likely pathogenic (1 of 4 stars; one submission).

Conditions:
Hyperammonemia, type III (NAGSD). Also called: Hyperammonemia due to N-acetylglutamate synthase deficiency. Identifiers: Orphanet 927, MedGen C0268543, MONDO:0009377, OMIM 237310.

Submission:

Labcorp Genetics (formerly Invitae), Labcorp
Classification: Likely pathogenic for Hyperammonemia, type III. Last evaluated: 2021-01-26. Review status: criteria provided, single submitter. Criteria: Invitae Variant Classification Sherloc (09022015). Collection method: clinical testing. Allele origin: germline.
Comment: This sequence change results in a premature translational stop signal in the NAGS gene (p.Lys372Glnfs*119). While this is not anticipated to result in nonsense mediated decay, it is expected to disrupt the last 163 amino acids of the NAGS protein. In summary, the currently available evidence indicates that the variant is pathogenic, but additional data are needed to prove that conclusively. Therefore, this variant has been classified as Likely Pathogenic. This variant disrupts the p.Thr431 amino acid residue in NAGS. Other variant(s) that disrupt this residue have been determined to be pathogenic (PMID: 15714518, 17421020, Invitae). This suggests that this residue is clinically significant, and that variants that disrupt this residue are likely to be disease-causing. This variant has not been reported in the literature in individuals with NAGS-related conditions. This variant is not present in population databases (ExAC no frequency).

Literature cited by the submitters: PubMed 15714518; PubMed 17421020.